The following is an entry in ClinVar:

NM_000392.5(ABCC2):c.1925C>G (p.Ala642Gly)

Gene: ABCC2 (ATP binding cassette subfamily C member 2; plus strand). Cytogenetic location: 10q24.2.
Variant type: single nucleotide variant.
Coding change: c.1925C>G on transcript NM_000392.5 (MANE Select); coding-DNA position 1925, C replaced by G.
Protein change: p.Ala642Gly; replaces alanine 642 with glycine.
Molecular consequence: missense variant.
Genome position (GRCh38, 1-based): chr10:99,811,560, C>G. VCF-style: chr10-99811560-C-G. GRCh37 (hg19) VCF-style: chr10-101571317-C-G.
Other names: c.1925C>G (NM_000392.4); short protein forms A642G.
Identifiers: ClinVar variation 3127913 (VCV003127913.2), dbSNP rs761858863, ClinGen allele CA5643340.

ClinVar aggregate classification (germline): Uncertain significance. Review status: criteria provided, multiple submitters, no conflicts (2 of 4 stars). 2 submissions from 2 submitters: Uncertain significance (2). Last evaluated 2026-06-12.

Conditions:
Inborn genetic diseases. Identifiers: MedGen C0950123, MeSH D030342.
ABCC2-related disorder. Also called: ABCC2-related condition.

Allele frequency attached by ClinVar (database versions not stated): gnomAD 0.00001; gnomAD exomes 0.00005; ExAC 0.00007.

Submissions (2):

PreventionGenetics, part of Exact Sciences
Classification: Uncertain significance for ABCC2-related condition. Last evaluated: 2026-06-12. Review status: criteria provided, single submitter. Criteria: ACMG Guidelines, 2015. Collection method: clinical testing. Allele origin: germline.
Comment: The ABCC2 c.1925C>G variant is predicted to result in the amino acid substitution p.Ala642Gly. To our knowledge, this variant has not been reported in the literature. This variant is reported in 0.046% of alleles in individuals of South Asian descent in gnomAD. At this time, the clinical significance of this variant is uncertain due to the absence of conclusive functional and genetic evidence.

Ambry Genetics
Classification: Uncertain significance for Inborn genetic diseases. Last evaluated: 2023-11-20. Review status: criteria provided, single submitter. Criteria: Ambry Variant Classification Scheme 2023. Collection method: clinical testing. Allele origin: germline.